The following is an entry in ClinVar:

NM_000337.6(SGCD):c.781_783del (p.Phe261del)

Gene: SGCD (sarcoglycan delta; plus strand). Cytogenetic location: 5q33.3.
Variant type: Deletion.
Coding change: c.781_783del on transcript NM_000337.6 (MANE Select); coding-DNA positions 781 to 783, 3 bases deleted (TTC; older notation c.781_783delTTC).
Protein change: p.Phe261del; deletes phenylalanine 261.
Molecular consequence: inframe deletion.
Genome position (GRCh38, 1-based): chr5:156,759,298-156,759,300, TTC deleted; deleting any 3 consecutive bases within chr5:156,759,296-156,759,300 gives the same sequence; the c. name uses the placement nearest the transcript's 3' end. VCF-style (leftmost placement, unchanged base first): chr5-156759295-GTCT-G. GRCh37 (hg19) VCF-style: chr5-156186306-GTCT-G.
Other names: c.778_780del, p.Phe260del (NM_001128209.2); short protein forms F261del, F260del.
Identifiers: ClinVar variation 5004482 (VCV005004482.1).

ClinVar aggregate classification (germline): Uncertain significance (1 of 4 stars; one submission).

Conditions:
Autosomal recessive limb-girdle muscular dystrophy type 2F (LGMDR6). Also called: Muscular dystrophy limb-girdle with delta-sarcoglyan deficiency; MUSCULAR DYSTROPHY, LIMB-GIRDLE, AUTOSOMAL RECESSIVE 6. Identifiers: Orphanet 219, MedGen C1832525, MONDO:0011028, OMIM 601287. Disease mechanism: Affects gamma-sarcoglycan and also disrupts the integrity of the entire sarcoglycan complex..

Submission:

Myriad Genetics, Inc.
Classification: Uncertain significance for Autosomal recessive limb-girdle muscular dystrophy type 2F. Last evaluated: 2026-02-19. Review status: criteria provided, single submitter. Criteria: Myriad Autosomal Dominant, Autosomal Recessive and X-Linked Classification Criteria (2023). Collection method: clinical testing. Allele origin: unknown.
Comment: NM_000337.5(SGCD):c.781_783delTTC(F261del) is a missense variant classified as a variant of uncertain significance in the context of delta-sarcoglycanopathy. F261del has not been observed in cases with relevant disease. Relevant functional assessments of this variant are not available in the literature. F261del has not been observed in referenced population frequency databases. In summary, there is insufficient evidence to classify NM_000337.5(SGCD):c.781_783delTTC(F261del) as pathogenic or benign. Please note: this variant was assessed in the context of healthy population screening.